The following is an entry in ClinVar:

NM_001142800.2(EYS):c.2380C>T (p.Arg794Ter)

Gene: EYS (EGF-like photoreceptor maintenance factor; minus strand). Cytogenetic location: 6q12.
Variant type: single nucleotide variant.
Coding change: c.2380C>T on transcript NM_001142800.2 (MANE Select); coding-DNA position 2380, C replaced by T.
Protein change: p.Arg794Ter; replaces arginine 794 with a stop codon.
Molecular consequence: nonsense.
Genome position (GRCh38, 1-based): chr6:64,945,794, G>A on the plus strand (C>T on the coding strand, the complement: EYS is on the minus strand). VCF-style: chr6-64945794-G-A. GRCh37 (hg19) VCF-style: chr6-65655687-G-A.
Other names: NP_001136272.1:p.(Arg794Ter); c.2380C>T, p.Arg794Ter (NM_001292009.2); short protein forms R794*.
Identifiers: ClinVar variation 650440 (VCV000650440.26), dbSNP rs371032798, ClinGen allele CA3877294.

ClinVar aggregate classification (germline): Pathogenic. Review status: criteria provided, multiple submitters, no conflicts (2 of 4 stars). 13 submissions from 13 submitters: Pathogenic (10). 3 of the submissions do not count toward it. Last evaluated 2025-03-27.

Conditions:
EYS-related disorder. Also called: EYS-related condition.
Retinitis pigmentosa (RP). Identifiers: Orphanet 791, MedGen C0035334, MeSH D012174, MONDO:0019200, OMIM 268000. Inheritance: Autosomal dominant, autosomal recessive and X linked inheritance.
Retinitis pigmentosa 25 (RP25). Identifiers: Orphanet 791, MedGen C1864446, MONDO:0011272, OMIM 602772.
Retinal dystrophy. Also called: Inherited retinal dystrophy. Identifiers: Orphanet 71862, MedGen C0854723, MeSH D058499, MONDO:0019118, HP:0000556.

Allele frequency attached by ClinVar (database versions not stated): gnomAD exomes 0.00001; TOPMed 0.00001; ExAC 0.00005; ESP Exome Variant Server 0.00022.
gnomAD v4.1: 14 of 1,548,716 alleles (0.0009%); highest among the groups gnomAD compares: East Asian, 0.0025%; no homozygotes.

Submissions (13):

Labcorp Genetics (formerly Invitae), Labcorp
Classification: Pathogenic. Last evaluated: 2025-03-27. Review status: criteria provided, single submitter. Criteria: Invitae Variant Classification Sherloc (09022015). Collection method: clinical testing. Allele origin: germline.
Comment: This sequence change creates a premature translational stop signal (p.Arg794*) in the EYS gene. It is expected to result in an absent or disrupted protein product. Loss-of-function variants in EYS are known to be pathogenic (PMID: 18836446, 20333770). This variant is present in population databases (rs371032798, gnomAD 0.004%). This premature translational stop signal has been observed in individual(s) with retinitis pigmentosa (PMID: 26161267, 29159838). ClinVar contains an entry for this variant (Variation ID: 650440). For these reasons, this variant has been classified as Pathogenic.

Natera, Inc.
Classification: Pathogenic for Retinitis pigmentosa type 25. Last evaluated: 2024-10-11. Review status: criteria provided, single submitter. Criteria: Natera Variant Classification Schema (03/2026). Collection method: clinical testing. Allele origin: germline.
Comment: The c.2380C>T variant in EYS is a nonsense variant predicted to introduce a stop codon at amino acid 794. This variant is expected to result in nonsense mediated decay, truncation, or a dysfunctional protein product. This variant is rare in the general population with a frequency below the threshold expected for the associated phenotype(s). This variant has been observed in one or more individuals affected with the associated recessive disease, as either homozygous or compound heterozygous with a second variant (PMID: 26161267). Given the available evidence, this variant is classified as Pathogenic.

Myriad Genetics, Inc.
Classification: Pathogenic for Retinitis pigmentosa 25. Last evaluated: 2024-05-06. Review status: criteria provided, single submitter. Criteria: Myriad Autosomal Dominant, Autosomal Recessive and X-Linked Classification Criteria (2023). Collection method: clinical testing. Allele origin: unknown.
Comment: NM_001142800.1(EYS):c.2380C>T(R794*) is expected to be pathogenic in the context of retinitis pigmentosa, EYS-related. This variant is predicted to lead to an abnormal or absent protein product due to the creation of a premature termination codon in EYS, a gene where loss-of-function variants are known to be pathogenic. Please note: this variant was assessed in the context of healthy population screening.

Baylor Genetics
Classification: Pathogenic for Retinitis pigmentosa 25. Last evaluated: 2024-02-22. Review status: criteria provided, single submitter. Criteria: ACMG Guidelines, 2015. Collection method: clinical testing. Allele origin: unknown.

Fulgent Genetics
Classification: Pathogenic for Retinitis pigmentosa 25. Last evaluated: 2024-02-22. Review status: criteria provided, single submitter. Criteria: ACMG Guidelines, 2015. Collection method: clinical testing. Allele origin: germline.

Ophthalmic Genetics Group, Institute of Molecular and Clinical Ophthalmology Basel
Classification: Pathogenic for Retinitis pigmentosa. Last evaluated: 2023-07-24. Review status: criteria provided, single submitter. Criteria: ACMG Guidelines, 2015. Collection method: research. Allele origin: germline. Affected: yes. Observed: 1 variant allele.
Comment: Clinical significance based on ACMG v2.0

This variant was classified as Pathogenic based on ACMG criteria: PVS1, PM2, PP5.

Institute of Human Genetics, Univ. Regensburg, Univ. Regensburg
Classification: Pathogenic for Retinal dystrophy. Last evaluated: 2022-01-01. Review status: criteria provided, single submitter. Criteria: ACMG Guidelines, 2015. Collection method: clinical testing. Allele origin: germline. Affected: yes.

Blueprint Genetics
Classification: Pathogenic for EYS-related disorders. Last evaluated: 2021-08-09. Review status: criteria provided, single submitter. Criteria: ACMG Guidelines, 2015. Collection method: clinical testing. Allele origin: germline. Affected: yes. Observed: 5 variant alleles.

Ocular Genomics Institute, Massachusetts Eye and Ear
Classification: Pathogenic for Retinitis pigmentosa 25. Last evaluated: 2021-04-08. Review status: criteria provided, single submitter. Criteria: ACMG Guidelines, 2015. Collection method: research. Allele origin: germline. Affected: yes.
Comment: Through a review of available evidence we were able to apply the following criteria: PVS1, PM2, PS1. Based on this evidence we have classified this variant as Pathogenic.

Juno Genomics, Hangzhou Juno Genomics, Inc
Classification: Pathogenic for Retinitis pigmentosa 25. Review status: criteria provided, single submitter. Criteria: ACMG Guidelines, 2015. Collection method: clinical testing. Allele origin: germline. Affected: yes.
Comment: Absent from controls (or at extremely low frequency if recessive) in Genome Aggregation Database.;Null variant in a gene where loss of function (LOF) is a known mechanism of disease.;For recessive disorders, detected in trans with a pathogenic variant.

PreventionGenetics, part of Exact Sciences
Classification: Pathogenic for EYS-related condition. Last evaluated: 2024-09-11. Review status: no assertion criteria provided. Collection method: clinical testing. Allele origin: germline. Not counted in ClinVar's aggregate classification.
Comment: The EYS c.2380C>T variant is predicted to result in premature protein termination (p.Arg794*). This variant has been reported with other EYS variants in multiple individuals with retinal degeneration (see for example, Messchaert et al. 2017. PubMed ID: 29159838; Soares et al. 2023. PubMed ID: 36764454; Table S2, Peter et al. 2023. PubMed ID: 36909829). This variant is reported in 0.0017% of alleles in individuals of European (non-Finnish) descent in gnomAD. Nonsense variants in EYS are expected to be pathogenic. This variant is interpreted as pathogenic.

Joint Genome Diagnostic Labs from Nijmegen and Maastricht, Radboudumc and MUMC+
Classification: Pathogenic. Review status: no assertion criteria provided. Collection method: clinical testing. Allele origin: germline. Affected: yes. Study: VKGL Data-share Consensus. Not counted in ClinVar's aggregate classification.

Laboratory of Diagnostic Genome Analysis, Leiden University Medical Center (LUMC)
Classification: Pathogenic. Review status: no assertion criteria provided. Collection method: clinical testing. Allele origin: germline. Affected: yes. Study: VKGL Data-share Consensus. Not counted in ClinVar's aggregate classification.

Literature cited by the submitters: PubMed 18836446 (cited by Labcorp Genetics (formerly Invitae), Labcorp); PubMed 20333770 (cited by Labcorp Genetics (formerly Invitae), Labcorp); PubMed 26161267 (cited by 4 submitters); PubMed 29159838 (cited by Labcorp Genetics (formerly Invitae), Labcorp and Ocular Genomics Institute, Massachusetts Eye and Ear); PubMed 36909829 (cited by Ophthalmic Genetics Group, Institute of Molecular and Clinical Ophthalmology Basel); PubMed 3196484 (cited by Institute of Human Genetics, Univ. Regensburg, Univ. Regensburg).